The following is an entry in ClinVar:

ClinVar aggregate classification (germline): Uncertain significance. Review status: criteria provided, single submitter (1 of 4 stars). 2 submissions from 2 submitters: Uncertain significance (1). 1 of the submissions does not count toward it. Last evaluated 2024-07-27.

Conditions:
Epidermolysis bullosa dystrophica. Also called: Dystrophic epidermolysis bullosa, Hallopeau-Siemens type (formerly); Dystrophic epidermolysis bullosa. Identifiers: Orphanet 303, MedGen C0079294, MONDO:0006543.

gnomAD v4.1: 1 of 1,613,388 alleles (0.000062%); highest among the groups gnomAD compares: Non-Finnish European, 0.000085%; no homozygotes.

Submissions (2):

Labcorp Genetics (formerly Invitae), Labcorp
Classification: Uncertain significance. Last evaluated: 2024-07-27. Review status: criteria provided, single submitter. Criteria: Invitae Variant Classification Sherloc (09022015). Collection method: clinical testing. Allele origin: germline.
Comment: This sequence change falls in intron 16 of the COL7A1 gene. It does not directly change the encoded amino acid sequence of the COL7A1 protein. It affects a nucleotide within the consensus splice site. This variant is not present in population databases (gnomAD no frequency). This variant has not been reported in the literature in individuals affected with COL7A1-related conditions. Variants that disrupt the consensus splice site are a relatively common cause of aberrant splicing (PMID: 17576681, 9536098). Algorithms developed to predict the effect of sequence changes on RNA splicing suggest that this variant is not likely to affect RNA splicing. In summary, the available evidence is currently insufficient to determine the role of this variant in disease. Therefore, it has been classified as a Variant of Uncertain Significance.

Natera, Inc.
Classification: Uncertain significance for Dystrophic epidermolysis bullosa. Last evaluated: 2025-03-27. Review status: no assertion criteria provided. Collection method: clinical testing. Allele origin: germline. Not counted in ClinVar's aggregate classification.

Literature cited by the submitters: PubMed 17576681 (cited by Labcorp Genetics (formerly Invitae), Labcorp); PubMed 9536098 (cited by Labcorp Genetics (formerly Invitae), Labcorp).

NM_000094.4(COL7A1):c.2170+6G>A

Gene: COL7A1 (collagen type VII alpha 1 chain; minus strand). Cytogenetic location: 3p21.31.
Variant type: single nucleotide variant.
Coding change: c.2170+6G>A on transcript NM_000094.4 (MANE Select); 6 bases into the intron after coding-DNA position 2170, G replaced by A.
Molecular consequence: intron variant.
Genome position (GRCh38, 1-based): chr3:48,589,593, C>T on the plus strand (G>A on the coding strand, the complement: COL7A1 is on the minus strand). VCF-style: chr3-48589593-C-T. GRCh37 (hg19) VCF-style: chr3-48627026-C-T.
Other names: c.2170+6G>A (NM_000094.3).
Identifiers: ClinVar variation 3712908 (VCV003712908.3).